The following is an entry in ClinVar:

NM_004341.5(CAD):c.2577G>A (p.Pro859=)

Genes: CAD (carbamoyl-phosphate synthetase 2, aspartate transcarbamylase, and dihydroorotase; plus strand), LOC126806171 (BRD4-independent group 4 enhancer GRCh37_chr2:27454350-27455549; plus strand). Cytogenetic location: 2p23.3.
Variant type: single nucleotide variant.
Coding change: c.2577G>A on transcript NM_004341.5 (MANE Select); coding-DNA position 2577, G replaced by A.
Protein change: p.Pro859=; no amino-acid change (proline 859 retained).
Molecular consequence: synonymous variant.
Genome position (GRCh38, 1-based): chr2:27,232,156, G>A. VCF-style: chr2-27232156-G-A. GRCh37 (hg19) VCF-style: chr2-27455024-G-A.
Other names: c.2388G>A, p.Pro796= (NM_001306079.2).
Identifiers: ClinVar variation 793341 (VCV000793341.35), dbSNP rs147159197, ClinGen allele CA1573049.
Genomic context (GRCh38, chr2:27,232,156, plus strand): 5'-AATGAAGCGTATCATCGCACATGCCCAGCTGCTAGAACAACACCGTGGACAGCCTTTGCC[G>A]CCAGACCTGCTGCAACAGGCCAAGTGTCTTGGCTTCTCAGACAAACAGATTGCCCTTGCA-3'
Protein context (NP_004332.2, residues 849-869): LLEQHRGQPL[Pro859=]PDLLQQAKCL

ClinVar aggregate classification (germline): Benign. Review status: criteria provided, multiple submitters, no conflicts (2 of 4 stars). 3 submissions from 3 submitters: Benign (2). 1 of the submissions does not count toward it. Last evaluated 2026-02-02.

Conditions:
CAD-related disorder. Also called: CAD-related condition.

Allele frequency attached by ClinVar (database versions not stated): gnomAD 0.00001 and 0.00052; ESP Exome Variant Server 0.00008; TOPMed 0.00008; gnomAD exomes 0.00168; ExAC 0.00177; 1000 Genomes Project 30x 0.00437; 1000 Genomes Project 0.00439.
gnomAD v4.1: 1,237 of 1,614,212 alleles (0.077%); highest among the groups gnomAD compares: South Asian, 1.3%; 18 homozygotes.

Submissions (3):

Labcorp Genetics (formerly Invitae), Labcorp
Classification: Benign. Last evaluated: 2026-02-02. Review status: criteria provided, single submitter. Criteria: Invitae Variant Classification Sherloc (09022015). Collection method: clinical testing. Allele origin: germline.

CeGaT Center for Human Genetics Tuebingen
Classification: Benign. Last evaluated: 2024-04-01. Review status: criteria provided, single submitter. Criteria: CeGaT Center For Human Genetics Tuebingen Variant Classification Criteria Version 2. Collection method: clinical testing. Allele origin: germline. Affected: yes. Observed: 2 variant alleles.
Comment: CAD: BP4, BP7, BS1, BS2

PreventionGenetics, part of Exact Sciences
Classification: Likely benign for CAD-related condition. Last evaluated: 2019-04-03. Review status: no assertion criteria provided. Collection method: clinical testing. Allele origin: germline. Not counted in ClinVar's aggregate classification.
Comment: This variant is classified as likely benign based on ACMG/AMP sequence variant interpretation guidelines (Richards et al. 2015 PMID: 25741868, with internal and published modifications).